The following is an entry in ClinVar:

ClinVar aggregate classification (germline): Uncertain significance. Review status: criteria provided, multiple submitters, no conflicts (2 of 4 stars). 3 submissions from 3 submitters: Uncertain significance (3). Last evaluated 2025-12-11.

Allele frequency attached by ClinVar (database versions not stated): ExAC 0.00004; gnomAD exomes 0.00004; TOPMed 0.00007; 1000 Genomes Project 30x 0.00031.
gnomAD v4.1: 124 of 1,613,718 alleles (0.0077%); highest among the groups gnomAD compares: East Asian, 0.013%; 1 homozygote.

Submissions (3):

Ambry Genetics
Classification: Uncertain significance. Last evaluated: 2025-12-11. Review status: criteria provided, single submitter. Criteria: Ambry Variant Classification Scheme 2023. Collection method: clinical testing. Allele origin: germline.

Labcorp Genetics (formerly Invitae), Labcorp
Classification: Uncertain significance. Last evaluated: 2025-11-03. Review status: criteria provided, single submitter. Criteria: Invitae Variant Classification Sherloc (09022015). Collection method: clinical testing. Allele origin: germline.
Comment: This sequence change replaces proline, which is neutral and non-polar, with leucine, which is neutral and non-polar, at codon 143 of the FUK protein (p.Pro143Leu). This variant is present in population databases (rs572099494, gnomAD 0.07%), and has an allele count higher than expected for a pathogenic variant. This variant has not been reported in the literature in individuals affected with FUK-related conditions. ClinVar contains an entry for this variant (Variation ID: 2717712). An algorithm developed to predict the effect of missense changes on protein structure and function (PolyPhen-2) suggests that this variant is likely to be disruptive. In summary, the available evidence is currently insufficient to determine the role of this variant in disease. Therefore, it has been classified as a Variant of Uncertain Significance.

Blueprint Genetics
Classification: Uncertain significance. Last evaluated: 2024-11-11. Review status: criteria provided, single submitter. Criteria: ACMG Guidelines, 2015. Collection method: clinical testing. Allele origin: germline.

NM_145059.3(FCSK):c.428C>T (p.Pro143Leu)

Gene: FCSK (fucose kinase; plus strand). Cytogenetic location: 16q22.1.
Variant type: single nucleotide variant.
Coding change: c.428C>T on transcript NM_145059.3 (MANE Select); coding-DNA position 428, C replaced by T.
Protein change: p.Pro143Leu; replaces proline 143 with leucine.
Molecular consequence: missense variant.
Genome position (GRCh38, 1-based): chr16:70,466,898, C>T. VCF-style: chr16-70466898-C-T. GRCh37 (hg19) VCF-style: chr16-70500801-C-T.
Other names: c.428C>T (NM_145059.2); short protein forms P143L.
Identifiers: ClinVar variation 2717712 (VCV002717712.6), dbSNP rs572099494, ClinGen allele CA8142907.